The following is an entry in ClinVar:

ClinVar aggregate classification (germline): Conflicting classifications of pathogenicity. Review status: criteria provided, conflicting classifications (1 of 4 stars). 2 submissions from 2 submitters: Uncertain significance (1); Likely benign (1). Last evaluated 2025-11-12.

Allele frequency attached by ClinVar (database versions not stated): gnomAD exomes below 0.00001; ExAC 0.00002; ESP Exome Variant Server 0.00015; TOPMed below 0.00001; gnomAD 0.00001.
gnomAD v4.1: 5 of 1,613,928 alleles (0.00031%); highest among the groups gnomAD compares: Non-Finnish European, 0.00042%; no homozygotes.

Submissions (2):

Ambry Genetics
Classification: Likely benign. Last evaluated: 2025-11-12. Review status: criteria provided, single submitter. Criteria: Ambry Variant Classification Scheme 2023. Collection method: clinical testing. Allele origin: germline.

Labcorp Genetics (formerly Invitae), Labcorp
Classification: Uncertain significance. Last evaluated: 2025-09-08. Review status: criteria provided, single submitter. Criteria: Invitae Variant Classification Sherloc (09022015). Collection method: clinical testing. Allele origin: germline.
Comment: This sequence change affects codon 736 of the PRPF6 mRNA. It is a 'silent' change, meaning that it does not change the encoded amino acid sequence of the PRPF6 protein. It affects a nucleotide within the consensus splice site. This variant is present in population databases (rs372237082, gnomAD 0.002%). This variant has not been reported in the literature in individuals affected with PRPF6-related conditions. ClinVar contains an entry for this variant (Variation ID: 2747495). Algorithms developed to predict the effect of sequence changes on RNA splicing suggest that this variant is not likely to affect RNA splicing. In summary, the available evidence is currently insufficient to determine the role of this variant in disease. Therefore, it has been classified as a Variant of Uncertain Significance.

NM_012469.4(PRPF6):c.2206T>C (p.Leu736=)

Gene: PRPF6 (pre-mRNA processing factor 6; plus strand). Cytogenetic location: 20q13.33.
Variant type: single nucleotide variant.
Coding change: c.2206T>C on transcript NM_012469.4 (MANE Select); coding-DNA position 2206, T replaced by C.
Protein change: p.Leu736=; no amino-acid change (leucine 736 retained).
Molecular consequence: synonymous variant.
Genome position (GRCh38, 1-based): chr20:64,027,603, T>C. VCF-style: chr20-64027603-T-C. GRCh37 (hg19) VCF-style: chr20-62658956-T-C.
Other names: c.2206T>C (NM_012469.3).
Identifiers: ClinVar variation 2747495 (VCV002747495.4), dbSNP rs372237082, ClinGen allele CA9972402.